The following is an entry in ClinVar:

ClinVar aggregate classification (germline): Uncertain significance. Review status: criteria provided, multiple submitters, no conflicts (2 of 4 stars). 2 submissions from 2 submitters: Uncertain significance (2). Last evaluated 2024-08-15.

Allele frequency attached by ClinVar (database versions not stated): ExAC 0.00002; gnomAD 0.00002 and 0.00003; gnomAD exomes 0.00002 and 0.00006; TOPMed 0.00006.
gnomAD v4.1: 37 of 1,614,024 alleles (0.0023%); highest among the groups gnomAD compares: Admixed American, 0.025%; no homozygotes.

Submissions (2):

Ambry Genetics
Classification: Uncertain significance. Last evaluated: 2024-08-15. Review status: criteria provided, single submitter. Criteria: Ambry Variant Classification Scheme 2023. Collection method: clinical testing. Allele origin: germline.

Labcorp Genetics (formerly Invitae), Labcorp
Classification: Uncertain significance. Last evaluated: 2021-09-21. Review status: criteria provided, single submitter. Criteria: Invitae Variant Classification Sherloc (09022015). Collection method: clinical testing. Allele origin: germline.
Comment: In summary, the available evidence is currently insufficient to determine the role of this variant in disease. Therefore, it has been classified as a Variant of Uncertain Significance. Algorithms developed to predict the effect of missense changes on protein structure and function are either unavailable or do not agree on the potential impact of this missense change (SIFT: "Not Available"; PolyPhen-2: "Possibly Damaging"; Align-GVGD: "Not Available"). This variant has not been reported in the literature in individuals affected with IFT52-related conditions. This variant is present in population databases (rs747911412, ExAC 0.02%). This sequence change replaces leucine with arginine at codon 334 of the IFT52 protein (p.Leu334Arg). The leucine residue is highly conserved and there is a moderate physicochemical difference between leucine and arginine.

NM_016004.5(IFT52):c.1001T>G (p.Leu334Arg)

Gene: IFT52 (intraflagellar transport 52; plus strand). Cytogenetic location: 20q13.12.
Variant type: single nucleotide variant.
Coding change: c.1001T>G on transcript NM_016004.5 (MANE Select); coding-DNA position 1001, T replaced by G.
Protein change: p.Leu334Arg; replaces leucine 334 with arginine.
Molecular consequence: missense variant.
Genome position (GRCh38, 1-based): chr20:43,636,003, T>G. VCF-style: chr20-43636003-T-G. GRCh37 (hg19) VCF-style: chr20-42264643-T-G.
Other names: c.473T>G, p.Leu158Arg (NM_001323578.2, NM_001323580.2); c.350T>G, p.Leu117Arg (NM_001323579.2, NM_001323581.2); c.1001T>G, p.Leu334Arg (NM_001303458.3, NM_001303459.3); c.1001T>G (NM_016004.2); short protein forms L158R, L117R, L334R.
Identifiers: ClinVar variation 1441053 (VCV001441053.7), dbSNP rs747911412, ClinGen allele CA9867066.